The following is an entry in ClinVar:

ClinVar aggregate classification (germline): Likely pathogenic. Review status: reviewed by expert panel (3 of 4 stars). 3 submissions from 3 submitters: Likely pathogenic (1). 2 of the submissions do not count toward it. Last evaluated 2025-09-26.

Conditions:
Monogenic diabetes. Identifiers: Orphanet 183625, MedGen C3888631, MONDO:0015967.

Submissions (3):

ClinGen Monogenic Diabetes Variant Curation Expert Panel
Classification: Likely pathogenic for Monogenic diabetes. Last evaluated: 2025-09-26. Review status: reviewed by expert panel. Criteria: ClinGen Diabetes ACMG Specifications HNF1A V3.0.0. Collection method: curation. Allele origin: germline. Inheritance: Autosomal dominant inheritance.
Comment: The c.722G>A variant in the HNF1 homeobox A gene, HNF1A, causes an amino acid change of cysteine to tyrosine at codon 241 (p.(Cys241Tyr)) of NM_000545.8. This variant is located within a conserved region of the DNA binding of HNF1A (codons 107-174 and 201-280), which is critical for the protein’s function (PM1_Supporting). Additionally, this variant is absent from gnomAD v2.1.1 and v4.1.0 (PM2_Supporting). This variant is predicted to be deleterious by computational evidence, with a REVEL score of 0.963, which is greater than the MDEP VCEP threshold of 0.70 (PP3). This variant was identified in three unrelated individuals with non-autoimmune and non-absolute/near-absolute insulin-deficient diabetes; however, PS4 cannot be applied because this number is below the ClinGen MDEP threshold (PMID: 18003757, internal lab contributors). One of these individuals also has a clinical history suggestive of HNF1A-MODY (MODY probability calculator result >50%); however, HNF4A was not tested (internal lab contributor). This variant segregated with diabetes with six informative meioses in two families (PP1_Strong; PMID: 27236918, internal lab contributors). Additionally, two other missense variants at the same codon, c.721T>G (p.Cys241Gly) and c.721T>C (p.Cys241Arg), have been classified as likely pathogenic by the ClinGen MDEP (PM5_Supporting). In summary, c.722G>A meets the criteria to be classified as likely pathogenic for monogenic diabetes. ACMG/AMP criteria applied, as specified by the ClinGen MDEP (specification version 3.0.0, approved 6/30/2023): PP1_Strong, PM2_Supporting, PP3, PM1_Supporting, PM5_Supporting.

GeneDx
Classification: Uncertain significance. Last evaluated: 2022-12-13. Review status: criteria provided, single submitter. Criteria: GeneDx Variant Classification Process June 2021. Collection method: clinical testing. Allele origin: germline. Affected: yes. Not counted in ClinVar's aggregate classification.
Comment: Reported in association with MODY in published literature (Bellann-Chantelot et al., 2008); however, no patient clinical information was provided; Not observed at significant frequency in large population cohorts (gnomAD); In silico analysis supports that this missense variant has a deleterious effect on protein structure/function; This variant is associated with the following publications: (PMID: 12453420, 18003757)

Labcorp Genetics (formerly Invitae), Labcorp
Classification: Pathogenic. Last evaluated: 2022-03-27. Review status: criteria provided, single submitter. Criteria: Invitae Variant Classification Sherloc (09022015). Collection method: clinical testing. Allele origin: germline. Not counted in ClinVar's aggregate classification.
Comment: This sequence change replaces cysteine, which is neutral and slightly polar, with tyrosine, which is neutral and polar, at codon 241 of the HNF1A protein (p.Cys241Tyr). This variant is not present in population databases (gnomAD no frequency). This missense change has been observed in individual(s) with clinical features of maturity-onset diabetes of the young, type III (PMID: 18003757; Invitae). It has also been observed to segregate with disease in related individuals. ClinVar contains an entry for this variant (Variation ID: 1327605). Advanced modeling of protein sequence and biophysical properties (such as structural, functional, and spatial information, amino acid conservation, physicochemical variation, residue mobility, and thermodynamic stability) performed at Invitae indicates that this missense variant is expected to disrupt HNF1A protein function. This variant disrupts the p.Cys241 amino acid residue in HNF1A. Other variant(s) that disrupt this residue have been determined to be pathogenic (PMID: 9032114). This suggests that this residue is clinically significant, and that variants that disrupt this residue are likely to be disease-causing. For these reasons, this variant has been classified as Pathogenic.

Literature cited by the submitters: PubMed 1800375 (cited by ClinGen Monogenic Diabetes Variant Curation Expert Panel); PubMed 27236918 (cited by ClinGen Monogenic Diabetes Variant Curation Expert Panel); PubMed 18003757 (cited by Labcorp Genetics (formerly Invitae), Labcorp); PubMed 9032114 (cited by Labcorp Genetics (formerly Invitae), Labcorp).

NM_000545.8(HNF1A):c.722G>A (p.Cys241Tyr)

Gene: HNF1A (HNF1 homeobox A; plus strand). Cytogenetic location: 12q24.31.
Variant type: single nucleotide variant.
Coding change: c.722G>A on transcript NM_000545.8 (MANE Select); coding-DNA position 722, G replaced by A.
Protein change: p.Cys241Tyr; replaces cysteine 241 with tyrosine.
Molecular consequence: missense variant.
Genome position (GRCh38, 1-based): chr12:120,994,172, G>A. VCF-style: chr12-120994172-G-A. GRCh37 (hg19) VCF-style: chr12-121431975-G-A.
Other names: NM_001306179.2:c.722G>A; c.722G>A (NM_000545.5); c.722G>A, p.Cys241Tyr (NM_001306179.2); short protein forms C241Y.
Identifiers: ClinVar variation 1327605 (VCV001327605.10), dbSNP rs2135841113, ClinGen allele CA386965780.